The following is an entry in ClinVar:

ClinVar aggregate classification (germline): Conflicting classifications of pathogenicity. Review status: criteria provided, conflicting classifications (1 of 4 stars). 3 submissions from 3 submitters: Uncertain significance (2); Likely benign (1). Last evaluated 2023-03-23.

Conditions:
Hereditary cancer-predisposing syndrome. Also called: Tumor predisposition; Hereditary Cancer Syndrome; Hereditary neoplastic syndrome; Neoplastic Syndromes, Hereditary. Identifiers: Orphanet 140162, MedGen C0027672, MeSH D009386, MONDO:0015356.
Hereditary breast ovarian cancer syndrome. Also called: Breast and ovarian cancer; Hereditary breast and ovarian cancer; Hereditary breast and/or ovarian cancer syndrome; BRCA1- and BRCA2-Associated Hereditary Breast and Ovarian Cancer; Hereditary breast and ovarian cancer syndrome (HBOC); Hereditary breast and ovarian cancer syndrome. Identifiers: Orphanet 145, MedGen C0677776, MeSH D061325, MONDO:0003582. Disease mechanism: loss of function.

gnomAD v4.1: 3 of 1,613,776 alleles (0.00019%); highest among the groups gnomAD compares: South Asian, 0.0033%; no homozygotes.

Submissions (3):

University of Washington Department of Laboratory Medicine, University of Washington
Classification: Likely benign for Hereditary cancer-predisposing syndrome. Last evaluated: 2023-03-23. Review status: criteria provided, single submitter. Criteria: Dines et al. (Genet Med. 2020). Collection method: curation. Allele origin: germline.
Comment: Missense variant in a coldspot region where missense variants are very unlikely to be pathogenic (PMID:31911673).

BRCA2 exon 11 coldspot. Reclassification based on statistical prior probability.

Labcorp Genetics (formerly Invitae), Labcorp
Classification: Uncertain significance for Hereditary breast ovarian cancer syndrome. Last evaluated: 2019-12-16. Review status: criteria provided, single submitter. Criteria: Invitae Variant Classification Sherloc (09022015). Collection method: clinical testing. Allele origin: germline.
Comment: This variant has not been reported in the literature in individuals with BRCA2-related conditions. ClinVar contains an entry for this variant (Variation ID: 182221). This variant is present in population databases (rs80358801, ExAC 0.006%). This sequence change replaces serine with asparagine at codon 1914 of the BRCA2 protein (p.Ser1914Asn). The serine residue is weakly conserved and there is a small physicochemical difference between serine and asparagine. Algorithms developed to predict the effect of missense changes on protein structure and function output the following: SIFT: "Tolerated"; PolyPhen-2: "Benign"; Align-GVGD: "Class C0". The asparagine amino acid residue is found in multiple mammalian species, suggesting that this missense change does not adversely affect protein function. These predictions have not been confirmed by published functional studies and their clinical significance is uncertain. In summary, the available evidence is currently insufficient to determine the role of this variant in disease. Therefore, it has been classified as a Variant of Uncertain Significance.

GeneDx
Classification: Uncertain significance. Last evaluated: 2014-07-11. Review status: criteria provided, single submitter. Criteria: GeneDx Variant Classification (06012015). Collection method: clinical testing. Allele origin: germline. Affected: yes.
Comment: This variant is denoted BRCA2 c.5741G>A at the cDNA level, p.Ser1914Asn (S1914N) at the protein level, and results in the change of a Serine to an Asparagine (AGC>AAC). This variant has not, to our knowledge, been published in the literature as pathogenic or benign. BRCA2 Ser1914Asn was not observed in approximately 6,500 individuals of European and African American ancestry in the NHLBI Exome Sequencing Project, indicating it is not a common benign variant in these populations. Since Serine and Asparagine share similar properties, this is considered a conservative amino acid substitution. BRCA2 Ser1914Asn occurs at a position that is variable across species and is not located in a known functional domain. In silico analyses predict that this variant is unlikely to alter protein structure or function. Based on currently available information, it is unclear whether BRCA2 Ser1914Asn is pathogenic or benign. We consider it to be a variant of uncertain significance.

NM_000059.4(BRCA2):c.5741G>A (p.Ser1914Asn)

Gene: BRCA2 (BRCA2 DNA repair associated; plus strand). Cytogenetic location: 13q13.1.
Variant type: single nucleotide variant.
Coding change: c.5741G>A on transcript NM_000059.4 (MANE Select); coding-DNA position 5741, G replaced by A.
Protein change: p.Ser1914Asn; replaces serine 1914 with asparagine.
Molecular consequence: missense variant.
Genome position (GRCh38, 1-based): chr13:32,340,096, G>A. VCF-style: chr13-32340096-G-A. GRCh37 (hg19) VCF-style: chr13-32914233-G-A.
Other names: p.S1914N:AGC>AAC; short protein forms S1914N.
Identifiers: ClinVar variation 182221 (VCV000182221.16), dbSNP rs80358801, ClinGen allele CA023121.